The following is an entry in ClinVar:

NM_001105206.3(LAMA4):c.4208C>T (p.Pro1403Leu)

Gene: LAMA4 (laminin subunit alpha 4; minus strand). Cytogenetic location: 6q21.
Variant type: single nucleotide variant.
Coding change: c.4208C>T on transcript NM_001105206.3 (MANE Select); coding-DNA position 4208, C replaced by T.
Protein change: p.Pro1403Leu; replaces proline 1403 with leucine.
Molecular consequence: missense variant.
Genome position (GRCh38, 1-based): chr6:112,129,001, G>A on the plus strand (C>T on the coding strand, the complement: LAMA4 is on the minus strand). VCF-style: chr6-112129001-G-A. GRCh37 (hg19) VCF-style: chr6-112450203-G-A.
Other names: c.4187C>T (NM_002290.3); c.4187C>T, p.Pro1396Leu (NM_001105207.3, NM_002290.5); short protein forms P1396L, P1403L.
Identifiers: ClinVar variation 1051678 (VCV001051678.14), dbSNP rs1255830395, ClinGen allele CA365372228.

ClinVar aggregate classification (germline): Uncertain significance. Review status: criteria provided, multiple submitters, no conflicts (2 of 4 stars). 6 submissions from 6 submitters: Uncertain significance (4). 2 of the submissions do not count toward it. Last evaluated 2025-01-02.

Conditions:
Cardiovascular phenotype. Identifiers: MedGen CN230736.
Dilated cardiomyopathy 1JJ (CMD1JJ). Identifiers: Orphanet 154, MedGen C3808935, MONDO:0014095, OMIM 615235.

Allele frequency attached by ClinVar (database versions not stated): TOPMed 0.00003; gnomAD 0.00005.
gnomAD v4.1: 7 of 1,611,592 alleles (0.00043%); highest among the groups gnomAD compares: African/African-American, 0.008%; no homozygotes.

Submissions (6):

Labcorp Genetics (formerly Invitae), Labcorp
Classification: Uncertain significance for Dilated cardiomyopathy 1JJ. Last evaluated: 2025-01-02. Review status: criteria provided, single submitter. Criteria: Invitae Variant Classification Sherloc (09022015). Collection method: clinical testing. Allele origin: germline.
Comment: This sequence change replaces proline, which is neutral and non-polar, with leucine, which is neutral and non-polar, at codon 1396 of the LAMA4 protein (p.Pro1396Leu). This variant is present in population databases (no rsID available, gnomAD 0.01%). This variant has not been reported in the literature in individuals affected with LAMA4-related conditions. ClinVar contains an entry for this variant (Variation ID: 1051678). Invitae Evidence Modeling of protein sequence and biophysical properties (such as structural, functional, and spatial information, amino acid conservation, physicochemical variation, residue mobility, and thermodynamic stability) has been performed for this missense variant. However, the output from this modeling did not meet the statistical confidence thresholds required to predict the impact of this variant on LAMA4 protein function. In summary, the available evidence is currently insufficient to determine the role of this variant in disease. Therefore, it has been classified as a Variant of Uncertain Significance.

GeneDx
Classification: Uncertain significance. Last evaluated: 2024-09-25. Review status: criteria provided, single submitter. Criteria: GeneDx Variant Classification Process June 2021. Collection method: clinical testing. Allele origin: germline. Affected: yes.
Comment: Not observed at significant frequency in large population cohorts (gnomAD); In silico analysis supports that this missense variant has a deleterious effect on protein structure/function; Has not been previously published as pathogenic or benign to our knowledge

Ambry Genetics
Classification: Uncertain significance for Cardiovascular phenotype. Last evaluated: 2024-08-25. Review status: criteria provided, single submitter. Criteria: Ambry Variant Classification Scheme 2023. Collection method: clinical testing. Allele origin: germline.
Comment: The p.P1396L variant (also known as c.4187C>T), located in coding exon 30 of the LAMA4 gene, results from a C to T substitution at nucleotide position 4187. The proline at codon 1396 is replaced by leucine, an amino acid with similar properties. This amino acid position is conserved. In addition, the in silico prediction for this alteration is inconclusive. Based on the available evidence, the clinical significance of this variant remains unclear.

Fulgent Genetics
Classification: Uncertain significance for Dilated cardiomyopathy 1JJ. Last evaluated: 2021-11-09. Review status: criteria provided, single submitter. Criteria: ACMG Guidelines, 2015. Collection method: clinical testing. Allele origin: unknown.

Clinical Genetics, Academic Medical Center
Classification: Uncertain significance. Review status: no assertion criteria provided. Collection method: clinical testing. Allele origin: germline. Affected: yes. Study: VKGL Data-share Consensus. Not counted in ClinVar's aggregate classification.

Genome Diagnostics Laboratory, University Medical Center Utrecht
Classification: Uncertain significance. Review status: no assertion criteria provided. Collection method: clinical testing. Allele origin: germline. Affected: yes. Study: VKGL Data-share Consensus. Not counted in ClinVar's aggregate classification.